The following is an entry in ClinVar:

NM_001303256.3(MORC2):c.1650C>G (p.Phe550Leu)

Gene: MORC2 (MORC family CW-type zinc finger 2; minus strand). Cytogenetic location: 22q12.2.
Variant type: single nucleotide variant.
Coding change: c.1650C>G on transcript NM_001303256.3 (MANE Select); coding-DNA position 1650, C replaced by G.
Protein change: p.Phe550Leu; replaces phenylalanine 550 with leucine.
Molecular consequence: missense variant.
Genome position (GRCh38, 1-based): chr22:30,936,598, G>C on the plus strand (C>G on the coding strand, the complement: MORC2 is on the minus strand). VCF-style: chr22-30936598-G-C. GRCh37 (hg19) VCF-style: chr22-31332585-G-C.
Other names: c.1650C>G, p.Phe550Leu (NM_001303257.2); c.1464C>G, p.Phe488Leu (NM_014941.3); short protein forms F488L, F550L.
Identifiers: ClinVar variation 649934 (VCV000649934.7), dbSNP rs1338480863, ClinGen allele CA411237275.

ClinVar aggregate classification (germline): Uncertain significance (1 of 4 stars; one submission).

Conditions:
Charcot-Marie-Tooth disease axonal type 2Z. Also called: CHARCOT-MARIE-TOOTH DISEASE, AXONAL, AUTOSOMAL DOMINANT, TYPE 2Z; CHARCOT-MARIE-TOOTH NEUROPATHY, TYPE 2Z. Identifiers: Orphanet 466768, MedGen C5569025, MONDO:0014736, OMIM 616688.

Allele frequency attached by ClinVar (database versions not stated): TOPMed below 0.00001; gnomAD exomes 0.00001 and 0.00002.

Submission:

Labcorp Genetics (formerly Invitae), Labcorp
Classification: Uncertain significance for Charcot-Marie-Tooth disease axonal type 2Z. Last evaluated: 2018-12-21. Review status: criteria provided, single submitter. Criteria: Invitae Variant Classification Sherloc (09022015). Collection method: clinical testing. Allele origin: germline.
Comment: In summary, the available evidence is currently insufficient to determine the role of this variant in disease. Therefore, it has been classified as a Variant of Uncertain Significance. Algorithms developed to predict the effect of missense changes on protein structure and function output the following: SIFT: "Tolerated"; PolyPhen-2: "Benign"; Align-GVGD: "C0". The leucine amino acid residue is found in multiple mammalian species, suggesting that this missense change does not adversely affect protein function. These predictions have not been confirmed by published functional studies and their clinical significance is uncertain. This variant has not been reported in the literature in individuals with MORC2-related conditions. This variant is not present in population databases (ExAC no frequency). This sequence change replaces phenylalanine with leucine at codon 550 of the MORC2 protein (p.Phe550Leu). The phenylalanine residue is weakly conserved and there is a small physicochemical difference between phenylalanine and leucine.